The following is an entry in ClinVar:

NM_032119.4(ADGRV1):c.9934T>C (p.Cys3312Arg)

Gene: ADGRV1 (adhesion G protein-coupled receptor V1; plus strand). Cytogenetic location: 5q14.3.
Variant type: single nucleotide variant.
Coding change: c.9934T>C on transcript NM_032119.4 (MANE Select); coding-DNA position 9934, T replaced by C.
Protein change: p.Cys3312Arg; replaces cysteine 3312 with arginine.
Molecular consequence: missense variant. On other transcripts: non-coding transcript variant (1).
Genome position (GRCh38, 1-based): chr5:90,725,113, T>C. VCF-style: chr5-90725113-T-C. GRCh37 (hg19) VCF-style: chr5-90020930-T-C.
Other names: short protein forms C3312R.
Identifiers: ClinVar variation 4292906 (VCV004292906.2).
Genomic context (GRCh38, chr5:90,725,113, plus strand): 5'-TGAATAACTGTATTCTTATTCCTCATTTTCTAGGATTTAAATATAGAAAATCCTAAAACT[T>C]GTGAGGCCTTTAATATTGGTTTTTCTCCCTACTTTGTGATTACTCATGAAGAAAGAAATG-3'
Protein context (NP_115495.3, residues 3302-3322): EDLNIENPKT[Cys3312Arg]EAFNIGFSPY

ClinVar aggregate classification (germline): Uncertain significance. Review status: criteria provided, multiple submitters, no conflicts (2 of 4 stars). 2 submissions from 2 submitters: Uncertain significance (2). Last evaluated 2025-07-24.

Conditions:
Usher syndrome type 2C. Also called: USHER SYNDROME, TYPE IIC; Usher syndrome, type 2B. Identifiers: Orphanet 231178, Orphanet 886, MedGen C2931213, MONDO:0011558, OMIM 605472.

gnomAD v4.1: 1 of 1,537,052 alleles (0.000065%); highest among the groups gnomAD compares: East Asian, 0.0023%; no homozygotes.

Submissions (2):

Labcorp Genetics (formerly Invitae), Labcorp
Classification: Uncertain significance. Last evaluated: 2025-07-24. Review status: criteria provided, single submitter. Criteria: Invitae Variant Classification Sherloc (09022015). Collection method: clinical testing. Allele origin: germline.
Comment: This sequence change replaces cysteine, which is neutral and slightly polar, with arginine, which is basic and polar, at codon 3312 of the ADGRV1 protein (p.Cys3312Arg). This variant is not present in population databases (gnomAD no frequency). This missense change has been observed in individual(s) with deafness (interna data). Invitae Evidence Modeling of protein sequence and biophysical properties (such as structural, functional, and spatial information, amino acid conservation, physicochemical variation, residue mobility, and thermodynamic stability) has been performed for this missense variant. However, the output from this modeling did not meet the statistical confidence thresholds required to predict the impact of this variant on ADGRV1 protein function. In summary, the available evidence is currently insufficient to determine the role of this variant in disease. Therefore, it has been classified as a Variant of Uncertain Significance.

3billion
Classification: Uncertain significance for Usher syndrome type 2C. Last evaluated: 2025-03-21. Review status: criteria provided, single submitter. Criteria: ACMG Guidelines, 2015. Collection method: clinical testing. Allele origin: germline. Affected: yes.